The following is an entry in ClinVar:

ClinVar aggregate classification (germline): Uncertain significance (1 of 4 stars; one submission).

Conditions:
Inborn genetic diseases. Identifiers: MedGen C0950123, MeSH D030342.

Submission:

Ambry Genetics
Classification: Uncertain significance for Inborn genetic diseases. Last evaluated: 2025-05-19. Review status: criteria provided, single submitter. Criteria: Ambry Variant Classification Scheme 2023. Collection method: clinical testing. Allele origin: germline.
Comment: The p.Y592H variant (also known as c.1774T>C), located in coding exon 14 of the DNMT3A gene, results from a T to C substitution at nucleotide position 1774. The tyrosine at codon 592 is replaced by histidine, an amino acid with similar properties. This amino acid position is conserved. In addition, this alteration is predicted to be tolerated by in silico analysis. Based on the available evidence, the clinical significance of this variant remains unclear.

NM_022552.5(DNMT3A):c.1774T>C (p.Tyr592His)

Gene: DNMT3A (DNA methyltransferase 3 alpha; minus strand). Cytogenetic location: 2p23.3.
Variant type: single nucleotide variant.
Coding change: c.1774T>C on transcript NM_022552.5 (MANE Select); coding-DNA position 1774, T replaced by C.
Protein change: p.Tyr592His; replaces tyrosine 592 with histidine.
Molecular consequence: missense variant. On other transcripts: non-coding transcript variant (1).
Genome position (GRCh38, 1-based): chr2:25,244,232, A>G on the plus strand (T>C on the coding strand, the complement: DNMT3A is on the minus strand). VCF-style: chr2-25244232-A-G. GRCh37 (hg19) VCF-style: chr2-25467101-A-G.
Other names: c.1318T>C, p.Tyr440His (NM_001320893.1); c.1105T>C, p.Tyr369His (NM_001375819.1); c.1207T>C, p.Tyr403His (NM_153759.3); c.1774T>C, p.Tyr592His (NM_175629.2); short protein forms Y369H, Y403H, Y440H, Y592H.
Identifiers: ClinVar variation 4013933 (VCV004013933.1).